The following is an entry in ClinVar:

NM_004380.3(CREBBP):c.2465G>A (p.Gly822Glu)

Gene: CREBBP (CREB binding lysine acetyltransferase; minus strand). Cytogenetic location: 16p13.3.
Variant type: single nucleotide variant.
Coding change: c.2465G>A on transcript NM_004380.3 (MANE Select); coding-DNA position 2465, G replaced by A.
Protein change: p.Gly822Glu; replaces glycine 822 with glutamic acid.
Molecular consequence: missense variant.
Genome position (GRCh38, 1-based): chr16:3,770,985, C>T on the plus strand (G>A on the coding strand, the complement: CREBBP is on the minus strand). VCF-style: chr16-3770985-C-T. GRCh37 (hg19) VCF-style: chr16-3820986-C-T.
Other names: c.2351G>A, p.Gly784Glu (NM_001079846.1); short protein forms G784E, G822E.
Identifiers: ClinVar variation 5002105 (VCV005002105.1).
Genomic context (GRCh38, chr16:3,770,985, plus strand): 5'-TGGCTGGCCTGAGGCCCCAGCATGTTGAGAGGGTTAGGAAGAGCAGCACCAGGCACCTGT[C>T]CCTACCAGAAATGGACAGAGTATGGTAAAATTATTTCCCCCGTTTGAAAATGTGATGAAA-3'
Protein context (NP_004371.2, residues 812-832): QPPAQTGVSQ[Gly822Glu]QVPGAALPNP

ClinVar aggregate classification (germline): Uncertain significance (1 of 4 stars; one submission).

Conditions:
CREBBP-related disorder. Also called: CREBBP-related disorders; CREBBP-related condition.

Submission:

PreventionGenetics, part of Exact Sciences
Classification: Uncertain significance for CREBBP-related condition. Last evaluated: 2025-03-27. Review status: criteria provided, single submitter. Criteria: ACMG Guidelines, 2015. Collection method: clinical testing. Allele origin: germline.
Comment: The CREBBP c.2465G>A variant is predicted to result in the amino acid substitution p.Gly822Glu. To our knowledge, this variant has not been reported in the literature or in a large population database (gnomAD), indicating this variant is rare. At this time, the clinical significance of this variant is uncertain due to the absence of conclusive functional and genetic evidence.